The following is an entry in ClinVar:

NM_033380.3(COL4A5):c.2902dup (p.Glu968fs)

Gene: COL4A5 (collagen type IV alpha 5 chain; plus strand). Cytogenetic location: Xq22.3.
Variant type: Duplication.
Coding change: c.2902dup on transcript NM_033380.3 (MANE Select); coding-DNA position 2902, one base duplicated (G; older notation c.2902dupG).
Protein change: p.Glu968fs; shifts the reading frame from glutamic acid 968.
Molecular consequence: frameshift variant.
Genome position (GRCh38, 1-based): chrX:108,622,810, G duplicated; the last of 5 consecutive G bases (chrX:108,622,806-108,622,810); duplicating any one gives the same sequence. VCF-style (leftmost placement, unchanged base first): chrX-108622805-A-AG. GRCh37 (hg19) VCF-style: chrX-107866035-A-AG.
Other names: c.2902dup, p.Glu968fs (NM_000495.5); short protein forms E968fs.
Identifiers: ClinVar variation 2920876 (VCV002920876.1), dbSNP rs2147865884, ClinGen allele CA2695235228.

ClinVar aggregate classification (germline): Pathogenic (1 of 4 stars; one submission).

Conditions:
X-linked Alport syndrome (ATS1). Also called: NEPHROPATHY AND DEAFNESS, X-LINKED; COL4A5-Related Nephropathy. Identifiers: Orphanet 63, Orphanet 88917, MedGen C4746986, MONDO:0010520, OMIM 301050.

Submission:

ARUP Laboratories, Molecular Genetics and Genomics, ARUP Laboratories
Classification: Pathogenic for X-linked Alport syndrome. Last evaluated: 2023-03-06. Review status: criteria provided, single submitter. Criteria: ARUP Molecular Germline Variant Investigation Process 2024. Collection method: clinical testing. Allele origin: germline.
Comment: The COL4A5 c.2902dup; p.Glu968GlyfsTer43 variant is reported in the literature in one family affected with X-linked Alport syndrome (Yamamura 2017). This variant is absent from the Genome Aggregation Database, indicating it is not a common polymorphism. This variant causes a frameshift by inserting a single nucleotide, so it is predicted to result in a truncated protein or mRNA subject to nonsense-mediated decay. Variants that create or remove a glycine in Gly-X-Y domains are often deleterious due to glycine repeats (Persikov 2004, Weerakkody 2016). Based on the available information, this variant is considered to be pathogenic. References: Persikov AV et al. Stability related bias in residues replacing glycines within the collagen triple helix (Gly-Xaa-Yaa) in inherited connective tissue disorders. Hum Mutat. 2004 Oct;24(4):330-7. PMID: 15365990. Weerakkody RA et al. Targeted next-generation sequencing makes new molecular diagnoses and expands genotype-phenotype relationship in Ehlers-Danlos syndrome. Genet Med. 2016 Nov;18(11):1119-1127. PMID: 27011056. Yamamura T et al. Natural History and Genotype-Phenotype Correlation in Female X-Linked Alport Syndrome. Kidney Int Rep. 2017 May 4;2(5):850-855. PMID: 29270492.